The following is an entry in ClinVar:

NM_012330.4(KAT6B):c.5826A>T (p.Gln1942His)

Gene: KAT6B (lysine acetyltransferase 6B; plus strand). Cytogenetic location: 10q22.2.
Variant type: single nucleotide variant.
Coding change: c.5826A>T on transcript NM_012330.4 (MANE Select); coding-DNA position 5826, A replaced by T.
Protein change: p.Gln1942His; replaces glutamine 1942 with histidine.
Molecular consequence: missense variant.
Genome position (GRCh38, 1-based): chr10:75,030,650, A>T. VCF-style: chr10-75030650-A-T. GRCh37 (hg19) VCF-style: chr10-76790408-A-T.
Other names: c.5277A>T, p.Gln1759His (NM_001256468.2, NM_001370138.1); c.4950A>T, p.Gln1650His (NM_001256469.2, NM_001370139.1, NM_001370140.1 and 2 more transcripts); c.4788A>T, p.Gln1596His (NM_001370132.1); c.4137A>T, p.Gln1379His (NM_001370133.1); c.3741A>T, p.Gln1247His (NM_001370134.1); c.3483A>T, p.Gln1161His (NM_001370135.1); c.5826A>T, p.Gln1942His (NM_001370136.1, NM_001370137.1); c.4761A>T, p.Gln1587His (NM_001370143.1, NM_001370144.1); short protein forms Q1596H, Q1379H, Q1650H, Q1942H, Q1587H, Q1759H, Q1161H, Q1247H.
Identifiers: ClinVar variation 1447559 (VCV001447559.6), dbSNP rs2134253644, ClinGen allele CA377302246.

ClinVar aggregate classification (germline): Uncertain significance (1 of 4 stars; one submission).

Conditions:
Genitopatellar syndrome (GTPTS). Also called: Genitopatellar syndrome (GPS); ABSENT PATELLAE, SCROTAL HYPOPLASIA, RENAL ANOMALIES, FACIAL DYSMORPHISM, AND MENTAL RETARDATION. Identifiers: Orphanet 85201, MedGen C1853566, MONDO:0011640, OMIM 606170.

Allele frequency attached by ClinVar (database versions not stated): gnomAD exomes 0.00003.
gnomAD v4.1: 21 of 1,614,128 alleles (0.0013%); highest among the groups gnomAD compares: Non-Finnish European, 0.0018%; no homozygotes.

Submission:

Labcorp Genetics (formerly Invitae), Labcorp
Classification: Uncertain significance for Genitopatellar syndrome. Last evaluated: 2023-11-19. Review status: criteria provided, single submitter. Criteria: Invitae Variant Classification Sherloc (09022015). Collection method: clinical testing. Allele origin: germline.
Comment: This sequence change replaces glutamine, which is neutral and polar, with histidine, which is basic and polar, at codon 1942 of the KAT6B protein (p.Gln1942His). This variant is not present in population databases (gnomAD no frequency). This variant has not been reported in the literature in individuals affected with KAT6B-related conditions. ClinVar contains an entry for this variant (Variation ID: 1447559). An algorithm developed to predict the effect of missense changes on protein structure and function (PolyPhen-2) suggests that this variant is likely to be disruptive. In summary, the available evidence is currently insufficient to determine the role of this variant in disease. Therefore, it has been classified as a Variant of Uncertain Significance.